The following is an entry in ClinVar:

ClinVar aggregate classification (germline): Benign (1 of 4 stars; one submission).

Conditions:
Mendelian susceptibility to mycobacterial diseases due to partial STAT1 deficiency. Also called: STAT1 DEFICIENCY, AUTOSOMAL DOMINANT; Immunodeficiency 31a; IMMUNODEFICIENCY 31A, MYCOBACTERIOSIS, AUTOSOMAL DOMINANT. Identifiers: Orphanet 319595, MedGen C4013950, MONDO:0013956, OMIM 614892.

Allele frequency attached by ClinVar (database versions not stated): gnomAD 0.00013 and 0.00016; TOPMed 0.00026; gnomAD exomes 0.00033; 1000 Genomes Project 30x 0.00078; 1000 Genomes Project 0.00080.
gnomAD v4.1: 90 of 355,084 alleles (0.025%); highest among the groups gnomAD compares: East Asian, 0.59%; no homozygotes.

Submission:

Illumina Laboratory Services, Illumina
Classification: Benign for Mendelian susceptibility to mycobacterial diseases due to partial STAT1 deficiency. Last evaluated: 2018-01-13. Review status: criteria provided, single submitter. Criteria: ICSL Variant Classification Criteria 13 December 2019. Collection method: clinical testing. Allele origin: germline.
Comment: This variant was observed in the ICSL laboratory as part of a predisposition screen in an ostensibly healthy population. It had not been previously curated by ICSL or reported in the Human Gene Mutation Database (HGMD: prior to June 1st, 2018), and was therefore a candidate for classification through an automated scoring system. Utilizing variant allele frequency, disease prevalence and penetrance estimates, and inheritance mode, an automated score was calculated to assess if this variant is too frequent to cause the disease. Based on the score and internal cut-off values, a variant classified as benign is not then subjected to further curation. The score for this variant resulted in a classification of benign for this disease.

NM_007315.4(STAT1):c.*364G>C

Gene: STAT1 (signal transducer and activator of transcription 1; minus strand). Cytogenetic location: 2q32.2.
Variant type: single nucleotide variant.
Coding change: c.*364G>C on transcript NM_007315.4 (MANE Select); 364 bases downstream of the stop codon, G replaced by C.
Molecular consequence: 3 prime UTR variant.
Genome position (GRCh38, 1-based): chr2:190,970,339, C>G on the plus strand (G>C on the coding strand, the complement: STAT1 is on the minus strand). VCF-style: chr2-190970339-C-G. GRCh37 (hg19) VCF-style: chr2-191835065-C-G.
Identifiers: ClinVar variation 895562 (VCV000895562.4), dbSNP rs186032149, ClinGen allele CA62664835.